The following is an entry in ClinVar:

NM_014991.6(WDFY3):c.349_350del (p.Gln116_Ser117insTer)

Gene: WDFY3 (WD repeat and FYVE domain containing 3; minus strand). Cytogenetic location: 4q21.23.
Variant type: Microsatellite.
Coding change: c.349_350del on transcript NM_014991.6 (MANE Select); coding-DNA positions 349 to 350, 2 bases deleted (AG; older notation c.349_350delAG).
Protein change: p.Gln116_Ser117insTer.
Molecular consequence: nonsense.
Genome position (GRCh38, 1-based): chr4:84,841,218-84,841,219, CT deleted on the plus strand (AG on the coding strand, the reverse complement: WDFY3 is on the minus strand); deleting any 2 consecutive bases within chr4:84,841,218-84,841,221 gives the same sequence; the c. name uses the placement nearest the transcript's 3' end. VCF-style (leftmost placement, unchanged base first): chr4-84841217-ACT-A. GRCh37 (hg19) VCF-style: chr4-85762370-ACT-A.
Other names: Frameshift; c.349_350delAG (NM_014991.6).
Identifiers: ClinVar variation 988595 (VCV000988595.3), dbSNP rs2150029460, ClinGen allele CA2580616114.

ClinVar aggregate classification (germline): Pathogenic (1 of 4 stars; one submission).

Submission:

Precision Medical Center, Wuhan Children's Hospital
Classification: Pathogenic. Last evaluated: 2020-12-09. Review status: criteria provided, single submitter. Criteria: ACMG Guidelines, 2015. Collection method: clinical testing. Allele origin: de novo. Inheritance: Autosomal dominant inheritance. Affected: yes. Observed: 1 variant allele, 1 heterozygote.
Comment: It was confirmed to be de novo and was absent in ExAC or gnomAD database, while it produced a truncated WDFY3 impairing its normal functions. Hence, it was assessed to be pathogenic according to ACMG guidelines.